The following is an entry in ClinVar:

NM_003070.5(SMARCA2):c.3607A>G (p.Met1203Val)

Gene: SMARCA2 (SWI/SNF related BAF chromatin remodeling complex subunit ATPase 2; plus strand). Cytogenetic location: 9p24.3.
Variant type: single nucleotide variant.
Coding change: c.3607A>G on transcript NM_003070.5 (MANE Select); coding-DNA position 3607, A replaced by G.
Protein change: p.Met1203Val; replaces methionine 1203 with valine.
Molecular consequence: missense variant.
Genome position (GRCh38, 1-based): chr9:2,115,972, A>G. VCF-style: chr9-2115972-A-G. GRCh37 (hg19) VCF-style: chr9-2115972-A-G.
Other names: c.3607A>G, p.Met1203Val (NM_001289396.2, NM_139045.4); c.3433A>G, p.Met1145Val (NM_001289397.2); short protein forms M1145V, M1203V.
Identifiers: ClinVar variation 2503206 (VCV002503206.1), dbSNP rs2537404707, ClinGen allele CA372788958.

ClinVar aggregate classification (germline): Uncertain significance (1 of 4 stars; one submission).

Submission:

GeneDx
Classification: Uncertain significance. Last evaluated: 2022-11-23. Review status: criteria provided, single submitter. Criteria: GeneDx Variant Classification Process June 2021. Collection method: clinical testing. Allele origin: germline. Affected: yes.
Comment: Not observed at significant frequency in large population cohorts (gnomAD); In silico analysis supports that this missense variant has a deleterious effect on protein structure/function; Has not been previously published as pathogenic or benign to our knowledge